The following is an entry in ClinVar:

NM_002691.4(POLD1):c.1289A>G (p.Asn430Ser)

Gene: POLD1 (DNA polymerase delta 1, catalytic subunit; plus strand). Cytogenetic location: 19q13.33.
Variant type: single nucleotide variant.
Coding change: c.1289A>G on transcript NM_002691.4 (MANE Select); coding-DNA position 1289, A replaced by G.
Protein change: p.Asn430Ser; replaces asparagine 430 with serine.
Molecular consequence: missense variant. On other transcripts: non-coding transcript variant (1).
Genome position (GRCh38, 1-based): chr19:50,406,228, A>G. VCF-style: chr19-50406228-A-G. GRCh37 (hg19) VCF-style: chr19-50909485-A-G.
Other names: c.1289A>G, p.Asn430Ser (NM_001256849.1, NM_001308632.1); short protein forms N430S.
Identifiers: ClinVar variation 484349 (VCV000484349.18), dbSNP rs546554950, ClinGen allele CA9596099.

ClinVar aggregate classification (germline): Uncertain significance. Review status: criteria provided, multiple submitters, no conflicts (2 of 4 stars). 5 submissions from 5 submitters: Uncertain significance (5). Last evaluated 2025-12-28.

Conditions:
POLD1-related polyposis and colorectal cancer syndrome (CRCS10). Also called: Colorectal cancer 10; COLORECTAL CANCER, SUSCEPTIBILITY TO, ON CHROMOSOME 19q; Colorectal cancer, susceptibility to, 10. Identifiers: Orphanet 220460, MedGen C2675481, MONDO:0012953, OMIM 612591.
Hereditary cancer-predisposing syndrome. Also called: Tumor predisposition; Hereditary Cancer Syndrome; Hereditary neoplastic syndrome; Neoplastic Syndromes, Hereditary. Identifiers: Orphanet 140162, MedGen C0027672, MeSH D009386, MONDO:0015356.

Allele frequency attached by ClinVar (database versions not stated): gnomAD exomes below 0.00001 and 0.00001; ExAC 0.00001; gnomAD 0.00001 and 0.00002; TOPMed 0.00001; 1000 Genomes Project 30x 0.00016; 1000 Genomes Project 0.00020.

Submissions (5):

Labcorp Genetics (formerly Invitae), Labcorp
Classification: Uncertain significance for POLD1-related polyposis and colorectal cancer syndrome. Last evaluated: 2025-12-28. Review status: criteria provided, single submitter. Criteria: Invitae Variant Classification Sherloc (09022015). Collection method: clinical testing. Allele origin: germline.
Comment: This sequence change replaces asparagine, which is neutral and polar, with serine, which is neutral and polar, at codon 430 of the POLD1 protein (p.Asn430Ser). The frequency data for this variant in the population databases is considered unreliable, as metrics indicate poor data quality at this position in the gnomAD database. This variant has not been reported in the literature in individuals affected with POLD1-related conditions. ClinVar contains an entry for this variant (Variation ID: 484349). Invitae Evidence Modeling of protein sequence and biophysical properties (such as structural, functional, and spatial information, amino acid conservation, physicochemical variation, residue mobility, and thermodynamic stability) indicates that this missense variant is not expected to disrupt POLD1 protein function with a negative predictive value of 80%. In summary, the available evidence is currently insufficient to determine the role of this variant in disease. Therefore, it has been classified as a Variant of Uncertain Significance.

Molecular Diagnostics Laboratory, Catalan Institute of Oncology
Classification: Uncertain significance for Hereditary cancer-predisposing syndrome. Last evaluated: 2025-01-14. Review status: criteria provided, single submitter. Criteria: Submitter's publication. Collection method: clinical testing. Allele origin: germline.
Comment: BP4 c.1289A>G is located in exon 11 of the POLD1 gene, is predicted to result in the substitution asparagine by serine at codon 430, p.(Asn430Ser). This variant is found in 3/268172 in the gnomAD v2.1.1 database, non-cancer data set. The SpliceAI algorithm predicts no significant impact on splicing the REVEL meta-predictor score for this variant (0.104) suggests that it does not affect the protein function (BP4). To our knowledge, neither relevant clinical data nor functional studies have been reported for this variant. The variant is present in ClinVar database (4x VUS) but is not present in LOVD database. Based on currently available information, the variant c.1289A>G is classified as an uncertain significance variant according to ACMG guidelines.

Baylor Genetics
Classification: Uncertain significance for POLD1-related polyposis and colorectal cancer syndrome. Last evaluated: 2024-01-08. Review status: criteria provided, single submitter. Criteria: ACMG Guidelines, 2015. Collection method: clinical testing. Allele origin: unknown.

Ambry Genetics
Classification: Uncertain significance for Hereditary cancer-predisposing syndrome. Last evaluated: 2023-12-08. Review status: criteria provided, single submitter. Criteria: Ambry Variant Classification Scheme 2023. Collection method: clinical testing. Allele origin: germline.
Comment: The p.N430S variant (also known as c.1289A>G), located in coding exon 10 of the POLD1 gene, results from an A to G substitution at nucleotide position 1289. The asparagine at codon 430 is replaced by serine, an amino acid with highly similar properties. This amino acid position is not well conserved in available vertebrate species. In addition, this alteration is predicted to be tolerated by in silico analysis. Since supporting evidence is limited at this time, the clinical significance of this alteration remains unclear.

Mendelics
Classification: Uncertain significance for POLD1-related polyposis and colorectal cancer syndrome. Last evaluated: 2019-05-28. Review status: criteria provided, single submitter. Criteria: Mendelics Assertion Criteria 2017. Collection method: clinical testing. Allele origin: unknown.